The following is an entry in ClinVar:

ClinVar aggregate classification (germline): Likely benign. Review status: criteria provided, multiple submitters, no conflicts (2 of 4 stars). 2 submissions from 2 submitters: Likely benign (2). Last evaluated 2026-09-01.

Conditions:
Inborn genetic diseases. Identifiers: MedGen C0950123, MeSH D030342.

Allele frequency attached by ClinVar (database versions not stated): gnomAD exomes 0.00002 and 0.00003; gnomAD 0.00003 and 0.00004; TOPMed 0.00003; ESP Exome Variant Server 0.00008; ExAC 0.00001.
gnomAD v4.1: 45 of 1,614,056 alleles (0.0028%); highest among the groups gnomAD compares: African/African-American, 0.0067%; no homozygotes.

Submissions (2):

CeGaT Center for Human Genetics Tuebingen
Classification: Likely benign. Last evaluated: 2026-09-01. Review status: criteria provided, single submitter. Criteria: CeGaT Center For Human Genetics Tuebingen Variant Classification Criteria Version 2. Collection method: clinical testing. Allele origin: germline. Affected: yes. Observed: 2 variant alleles.
Comment: MED23: BP4, BP7

Ambry Genetics
Classification: Likely benign for Inborn genetic diseases. Last evaluated: 2017-02-23. Review status: criteria provided, single submitter. Criteria: Ambry Variant Classification Scheme 2023. Collection method: clinical testing. Allele origin: germline.

NM_004830.4(MED23):c.2493A>G (p.Val831=)

Gene: MED23 (mediator complex subunit 23; minus strand). Cytogenetic location: 6q23.2.
Variant type: single nucleotide variant.
Coding change: c.2493A>G on transcript NM_004830.4 (MANE Select); coding-DNA position 2493, A replaced by G.
Protein change: p.Val831=; no amino-acid change (valine 831 retained).
Molecular consequence: synonymous variant.
Genome position (GRCh38, 1-based): chr6:131,598,401, T>C on the plus strand (A>G on the coding strand, the complement: MED23 is on the minus strand). VCF-style: chr6-131598401-T-C. GRCh37 (hg19) VCF-style: chr6-131919541-T-C.
Other names: c.2493A>G, p.Val831= (NM_001270521.2, NM_001270522.2); c.2511A>G, p.Val837= (NM_015979.4).
Identifiers: ClinVar variation 588839 (VCV000588839.7), dbSNP rs138100494, ClinGen allele CA3999813.